The following is an entry in ClinVar:

ClinVar aggregate classification (germline): Uncertain significance (1 of 4 stars; one submission).

Conditions:
Hereditary cancer-predisposing syndrome. Also called: Hereditary neoplastic syndrome; Neoplastic Syndromes, Hereditary; Tumor predisposition; Hereditary Cancer Syndrome. Identifiers: Orphanet 140162, MedGen C0027672, MeSH D009386, MONDO:0015356.

Submission:

Ambry Genetics
Classification: Uncertain significance for Hereditary cancer-predisposing syndrome. Last evaluated: 2024-12-21. Review status: criteria provided, single submitter. Criteria: Ambry Variant Classification Scheme 2023. Collection method: clinical testing. Allele origin: germline.
Comment: The p.F487V variant (also known as c.1459T>G), located in coding exon 6 of the BLM gene, results from a T to G substitution at nucleotide position 1459. The phenylalanine at codon 487 is replaced by valine, an amino acid with highly similar properties. This amino acid position is conserved. In addition, this alteration is predicted to be tolerated by in silico analysis. Based on the available evidence, the clinical significance of this variant remains unclear.

NM_000057.4(BLM):c.1459T>G (p.Phe487Val)

Gene: BLM (BLM RecQ like helicase; plus strand). Cytogenetic location: 15q26.1.
Variant type: single nucleotide variant.
Coding change: c.1459T>G on transcript NM_000057.4 (MANE Select); coding-DNA position 1459, T replaced by G.
Protein change: p.Phe487Val; replaces phenylalanine 487 with valine.
Molecular consequence: missense variant.
Genome position (GRCh38, 1-based): chr15:90,760,832, T>G. VCF-style: chr15-90760832-T-G. GRCh37 (hg19) VCF-style: chr15-91304062-T-G.
Other names: c.1459T>G, p.Phe487Val (NM_001287246.2, NM_001287247.2); c.334T>G, p.Phe112Val (NM_001287248.2); short protein forms F112V, F487V.
Identifiers: ClinVar variation 3824431 (VCV003824431.1).